The following is an entry in ClinVar:

NM_178857.6(RP1L1):c.142G>C (p.Gly48Arg)

Gene: RP1L1 (RP1 like 1). Cytogenetic location: 8p23.1.
Variant type: single nucleotide variant.
Coding change: c.142G>C on transcript NM_178857.6 (MANE Select); coding-DNA position 142, G replaced by C.
Protein change: p.Gly48Arg; replaces glycine 48 with arginine.
Molecular consequence: missense variant.
Genome position (GRCh38, 1-based): chr8:10,623,060, C>G on the plus strand (G>C on the coding strand, the complement: RP1L1 is on the minus strand). VCF-style: chr8-10623060-C-G. GRCh37 (hg19) VCF-style: chr8-10480570-C-G.
Other names: short protein forms G48R.
Identifiers: ClinVar variation 1717272 (VCV001717272.5), dbSNP rs1399645216, ClinGen allele CA370301031.

ClinVar aggregate classification (germline): Uncertain significance (1 of 4 stars; one submission).

Allele frequency attached by ClinVar (database versions not stated): TOPMed below 0.00001.
gnomAD v4.1: 1 of 1,614,114 alleles (0.000062%); no homozygotes.

Submission:

Labcorp Genetics (formerly Invitae), Labcorp
Classification: Uncertain significance. Last evaluated: 2022-08-23. Review status: criteria provided, single submitter. Criteria: Invitae Variant Classification Sherloc (09022015). Collection method: clinical testing. Allele origin: germline.
Comment: In summary, the available evidence is currently insufficient to determine the role of this variant in disease. Therefore, it has been classified as a Variant of Uncertain Significance. Advanced modeling of protein sequence and biophysical properties (such as structural, functional, and spatial information, amino acid conservation, physicochemical variation, residue mobility, and thermodynamic stability) performed at Invitae indicates that this missense variant is expected to disrupt RP1L1 protein function. This variant has not been reported in the literature in individuals affected with RP1L1-related conditions. This variant is not present in population databases (gnomAD no frequency). This sequence change replaces glycine, which is neutral and non-polar, with arginine, which is basic and polar, at codon 48 of the RP1L1 protein (p.Gly48Arg).